The following is an entry in ClinVar:

NM_198576.4(AGRN):c.5703del (p.Thr1902fs)

Gene: AGRN (agrin; plus strand). Cytogenetic location: 1p36.33.
Variant type: Deletion.
Coding change: c.5703del on transcript NM_198576.4 (MANE Select); coding-DNA position 5703, one base deleted (C; older notation c.5703delC).
Protein change: p.Thr1902fs; shifts the reading frame from threonine 1902.
Molecular consequence: frameshift variant.
Genome position (GRCh38, 1-based): chr1:1,053,804, C deleted; the last of 2 consecutive C bases (chr1:1,053,803-1,053,804); deleting either gives the same sequence. VCF-style (leftmost placement, unchanged base first): chr1-1053802-GC-G. GRCh37 (hg19) VCF-style: chr1-989182-GC-G.
Other names: c.5772del, p.Thr1925fs (NM_001305275.2); c.5400del, p.Thr1801fs (NM_001364727.2); short protein forms T1925fs, T1801fs, T1902fs.
Identifiers: ClinVar variation 1454542 (VCV001454542.6), dbSNP rs2100699601, ClinGen allele CA2573130438.

ClinVar aggregate classification (germline): Pathogenic (1 of 4 stars; one submission).

Conditions:
Congenital myasthenic syndrome 8. Also called: MYASTHENIC SYNDROME, CONGENITAL, DUE TO AGRIN DEFICIENCY; Myasthenic syndrome, congenital, 8, with pre- and postsynaptic defects. Identifiers: Orphanet 590, MedGen C3808739, MONDO:0014052, OMIM 615120.

Submission:

Labcorp Genetics (formerly Invitae), Labcorp
Classification: Pathogenic for Congenital myasthenic syndrome 8. Last evaluated: 2024-03-04. Review status: criteria provided, single submitter. Criteria: Invitae Variant Classification Sherloc (09022015). Collection method: clinical testing. Allele origin: germline.
Comment: This sequence change creates a premature translational stop signal (p.Thr1902Argfs*29) in the AGRN gene. It is expected to result in an absent or disrupted protein product. Loss-of-function variants in AGRN are known to be pathogenic (PMID: 24951643). This variant is not present in population databases (gnomAD no frequency). This variant has not been reported in the literature in individuals affected with AGRN-related conditions. ClinVar contains an entry for this variant (Variation ID: 1454542). Algorithms developed to predict the effect of sequence changes on RNA splicing suggest that this variant may disrupt the consensus splice site. For these reasons, this variant has been classified as Pathogenic.

Literature cited by the submitters: PubMed 24951643.